The following is an entry in ClinVar:

ClinVar aggregate classification (germline): Uncertain significance (1 of 4 stars; one submission).

Conditions:
Rhabdoid tumor predisposition syndrome 2 (RTPS2). Identifiers: Orphanet 231108, Orphanet 69077, MedGen C2750074, MONDO:0013224, OMIM 613325.

Submission:

Labcorp Genetics (formerly Invitae), Labcorp
Classification: Uncertain significance for Rhabdoid tumor predisposition syndrome 2. Last evaluated: 2022-11-15. Review status: criteria provided, single submitter. Criteria: Invitae Variant Classification Sherloc (09022015). Collection method: clinical testing. Allele origin: germline.
Comment: This sequence change replaces alanine, which is neutral and non-polar, with threonine, which is neutral and polar, at codon 1420 of the SMARCA4 protein (p.Ala1420Thr). In summary, the available evidence is currently insufficient to determine the role of this variant in disease. Therefore, it has been classified as a Variant of Uncertain Significance. Algorithms developed to predict the effect of sequence changes on RNA splicing suggest that this variant may create or strengthen a splice site. Algorithms developed to predict the effect of missense changes on protein structure and function (SIFT, PolyPhen-2, Align-GVGD) all suggest that this variant is likely to be tolerated. This variant has not been reported in the literature in individuals affected with SMARCA4-related conditions. This variant is not present in population databases (gnomAD no frequency).

NM_001387283.1(SMARCA4):c.4258G>A (p.Ala1420Thr)

Gene: SMARCA4 (SWI/SNF related BAF chromatin remodeling complex subunit ATPase 4; plus strand). Cytogenetic location: 19p13.2.
Variant type: single nucleotide variant.
Coding change: c.4258G>A on transcript NM_001387283.1 (MANE Plus Clinical); coding-DNA position 4258, G replaced by A.
Protein change: p.Ala1420Thr; replaces alanine 1420 with threonine.
Molecular consequence: missense variant. On other transcripts: intron variant (7).
Genome position (GRCh38, 1-based): chr19:11,039,545, G>A. VCF-style: chr19-11039545-G-A. GRCh37 (hg19) VCF-style: chr19-11150221-G-A.
Other names: c.4258G>A, p.Ala1420Thr (NM_001128849.3); c.4159G>A, p.Ala1387Thr (NM_001411150.1); c.4171-1762G>A (NM_001128844.3, NM_003072.5); c.4072-1762G>A (NM_001128847.4, NM_001374457.1, NM_001128848.2); c.4072-1753G>A (NM_001128845.2, NM_001128846.2); short protein forms A1387T, A1420T.
Identifiers: ClinVar variation 2814581 (VCV002814581.3), dbSNP rs2515444689, ClinGen allele CA404071872.
Genomic context (GRCh38, chr19:11,039,545, plus strand): 5'-ACAGCCAGCAGTGTGGCACGTGGGCTACAATTCCAGCGTGGCCTTCAGTTCTGCACACGT[G>A]CGTCAAAGGTGGGGAGAGTTCTGGTGGTGGGTGGCGCTGAGGGCTGCACAACACTGGGGA-3'
Protein context (NP_001374212.1, residues 1410-1430): FQRGLQFCTR[Ala1420Thr]SKAIEEGTLE